The following is an entry in ClinVar:

ClinVar aggregate classification (germline): Benign. Review status: criteria provided, multiple submitters, no conflicts (2 of 4 stars). 5 submissions from 5 submitters: Benign (5). Last evaluated 2026-02-04.

Conditions:
COG5-congenital disorder of glycosylation. Also called: CONGENITAL DISORDER OF GLYCOSYLATION, TYPE IIi; CDG IIi; COG5-CDG. Identifiers: Orphanet 263487, MedGen C3150876, MONDO:0013325, OMIM 613612.

Allele frequency attached by ClinVar (database versions not stated): 1000 Genomes Project 30x 0.37336; 1000 Genomes Project 0.37999; gnomAD 0.41088 and 0.41271; TOPMed 0.41286; ESP Exome Variant Server 0.41335; ExAC 0.42304; gnomAD exomes 0.42651 and 0.44985.
gnomAD v4.1: 719,128 of 1,612,654 alleles (45%); highest among the groups gnomAD compares: Non-Finnish European, 47%; 163,026 homozygotes.

Submissions (5):

Labcorp Genetics (formerly Invitae), Labcorp
Classification: Benign for COG5-congenital disorder of glycosylation. Last evaluated: 2026-02-04. Review status: criteria provided, single submitter. Criteria: Invitae Variant Classification Sherloc (09022015). Collection method: clinical testing. Allele origin: germline.

Blueprint Genetics
Classification: Benign. Last evaluated: 2024-11-27. Review status: criteria provided, single submitter. Criteria: ACMG Guidelines, 2015. Collection method: clinical testing. Allele origin: germline.

Mayo Clinic Laboratories, Mayo Clinic
Classification: Benign. Last evaluated: 2018-10-02. Review status: criteria provided, single submitter. Criteria: ACMG Guidelines, 2015. Collection method: clinical testing. Allele origin: germline. Observed: 34 variant alleles.

GeneDx
Classification: Benign. Last evaluated: 2015-12-02. Review status: criteria provided, single submitter. Criteria: GeneDx Variant Classification (06012015). Collection method: clinical testing. Allele origin: germline. Affected: yes.
Comment: This variant is considered likely benign or benign based on one or more of the following criteria: it is a conservative change, it occurs at a poorly conserved position in the protein, it is predicted to be benign by multiple in silico algorithms, and/or has population frequency not consistent with disease.

Breakthrough Genomics
Classification: Benign. Review status: criteria provided, single submitter. Criteria: ACMG Guidelines, 2015. Collection method: not provided. Allele origin: germline. Inheritance: Autosomal recessive inheritance. Affected: yes.

NM_006348.5(COG5):c.234+16T>A

Gene: COG5 (component of oligomeric golgi complex 5; minus strand). Cytogenetic location: 7q22.3.
Variant type: single nucleotide variant.
Coding change: c.234+16T>A on transcript NM_006348.5 (MANE Select); 16 bases into the intron after coding-DNA position 234, T replaced by A.
Molecular consequence: intron variant.
Genome position (GRCh38, 1-based): chr7:107,557,960, A>T on the plus strand (T>A on the coding strand, the complement: COG5 is on the minus strand). VCF-style: chr7-107557960-A-T. GRCh37 (hg19) VCF-style: chr7-107198405-A-T.
Other names: p.?; c.234+16T>A (NM_001379516.1, NM_001379515.1, NM_001379511.1 and 5 more transcripts).
Identifiers: ClinVar variation 379958 (VCV000379958.13), dbSNP rs2520272, ClinGen allele CA4431501.
Genomic context (GRCh38, chr7:107,557,960, plus strand): 5'-TTTAATAAGATTACAAAAATGCTAAATTATCACTTTAGGCTGAATAATCCATAGGGACCC[A>T]GAAGATCAGAATTACCTGTAAGTGTAGTTCTCTGTCCAACTGACTGATTCCTTGGGCAAG-3'